The following is an entry in ClinVar:

NM_015662.3(IFT172):c.3951+2_3951+5dup

Genes: IFT172 (intraflagellar transport 172; minus strand), LOC126806173 (BRD4-independent group 4 enhancer GRCh37_chr2:27676057-27677256; plus strand). Cytogenetic location: 2p23.3.
Variant type: Duplication.
Coding change: c.3951+2_3951+5dup on transcript NM_015662.3 (MANE Select); the canonical splice donor site of the intron after coding-DNA position 3951 through 5 bases into the intron after coding-DNA position 3951, 4 bases duplicated (TGAG; older notation c.3951+2_3951+5dupTGAG).
Molecular consequence: splice donor variant.
Genome position (GRCh38, 1-based): chr2:27,453,379-27,453,382, CTCA duplicated on the plus strand (TGAG on the coding strand, the reverse complement: IFT172 is on the minus strand); duplicating any 4 consecutive bases within chr2:27,453,379-27,453,383 gives the same sequence; the c. name uses the placement nearest the transcript's 3' end. VCF-style (leftmost placement, unchanged base first): chr2-27453378-C-CCTCA. GRCh37 (hg19) VCF-style: chr2-27676245-C-CCTCA.
Identifiers: ClinVar variation 1433511 (VCV001433511.6), dbSNP rs2148485951, ClinGen allele CA2573134516.

ClinVar aggregate classification (germline): Uncertain significance (1 of 4 stars; one submission).

Conditions:
Short-rib thoracic dysplasia 10 with or without polydactyly (SRTD10). Identifiers: Orphanet 474, MedGen C3810175, MONDO:0014284, OMIM 615630.
Retinitis pigmentosa 71 (RP71). Identifiers: Orphanet 791, MedGen C4225342, MONDO:0014618, OMIM 616394.

Submission:

Labcorp Genetics (formerly Invitae), Labcorp
Classification: Uncertain significance for Retinitis pigmentosa 71; Short-rib thoracic dysplasia 10 with or without polydactyly. Last evaluated: 2022-08-10. Review status: criteria provided, single submitter. Criteria: Invitae Variant Classification Sherloc (09022015). Collection method: clinical testing. Allele origin: germline.
Comment: ClinVar contains an entry for this variant (Variation ID: 1433511). Variants that disrupt the consensus splice site are a relatively common cause of aberrant splicing (PMID: 17576681, 9536098). Algorithms developed to predict the effect of sequence changes on RNA splicing suggest that this variant is not likely to affect RNA splicing. In summary, the available evidence is currently insufficient to determine the role of this variant in disease. Therefore, it has been classified as a Variant of Uncertain Significance. This variant has not been reported in the literature in individuals affected with IFT172-related conditions. This sequence change falls in intron 35 of the IFT172 gene. It does not directly change the encoded amino acid sequence of the IFT172 protein. It affects a nucleotide within the consensus splice site. This variant is not present in population databases (gnomAD no frequency).

Literature cited by the submitters: PubMed 17576681; PubMed 9536098.